The following is an entry in ClinVar:

ClinVar aggregate classification (germline): Conflicting classifications of pathogenicity. Review status: criteria provided, conflicting classifications (1 of 4 stars). 3 submissions from 3 submitters: Likely pathogenic (1); Uncertain significance (2). Last evaluated 2025-11-25.

Conditions:
Inborn genetic diseases. Identifiers: MedGen C0950123, MeSH D030342.
ABCA4-related disorder. Also called: ABCA4-related disorders; ABCA4-related condition. Identifiers: MedGen CN239167.

Submissions (3):

Ambry Genetics
Classification: Uncertain significance for Inborn genetic diseases. Last evaluated: 2025-11-25. Review status: criteria provided, single submitter. Criteria: Ambry Variant Classification Scheme 2023. Collection method: clinical testing. Allele origin: germline.

Labcorp Genetics (formerly Invitae), Labcorp
Classification: Uncertain significance. Last evaluated: 2022-08-08. Review status: criteria provided, single submitter. Criteria: Invitae Variant Classification Sherloc (09022015). Collection method: clinical testing. Allele origin: germline.
Comment: In summary, the available evidence is currently insufficient to determine the role of this variant in disease. Therefore, it has been classified as a Variant of Uncertain Significance. Advanced modeling of protein sequence and biophysical properties (such as structural, functional, and spatial information, amino acid conservation, physicochemical variation, residue mobility, and thermodynamic stability) performed at Invitae indicates that this missense variant is not expected to disrupt ABCA4 protein function. ClinVar contains an entry for this variant (Variation ID: 1476241). This missense change has been observed in individual(s) with clinical features of retinitis pigmentosa (Invitae). This variant is not present in population databases (gnomAD no frequency). This sequence change replaces serine, which is neutral and polar, with cysteine, which is neutral and slightly polar, at codon 1487 of the ABCA4 protein (p.Ser1487Cys).

Blueprint Genetics
Classification: Likely pathogenic for ABCA4-related disorders. Last evaluated: 2021-07-12. Review status: criteria provided, single submitter. Criteria: ACMG Guidelines, 2015. Collection method: clinical testing. Allele origin: germline. Affected: yes. Observed: 5 variant alleles.

NM_000350.3(ABCA4):c.4460C>G (p.Ser1487Cys)

Gene: ABCA4 (ATP binding cassette subfamily A member 4; minus strand). Cytogenetic location: 1p22.1.
Variant type: single nucleotide variant.
Coding change: c.4460C>G on transcript NM_000350.3 (MANE Select); coding-DNA position 4460, C replaced by G.
Protein change: p.Ser1487Cys; replaces serine 1487 with cysteine.
Molecular consequence: missense variant.
Genome position (GRCh38, 1-based): chr1:94,029,524, G>C on the plus strand (C>G on the coding strand, the complement: ABCA4 is on the minus strand). VCF-style: chr1-94029524-G-C. GRCh37 (hg19) VCF-style: chr1-94495080-G-C.
Other names: c.4460C>G (NM_000350.2); c.4238C>G, p.Ser1413Cys (NM_001425324.1); short protein forms S1487C, S1413C.
Identifiers: ClinVar variation 1476241 (VCV001476241.8), dbSNP rs2101033592, ClinGen allele CA341284964.
Genomic context (GRCh38, chr1:94,029,524, plus strand): 5'-CCGGCACCCTCGGGGCACTCTGGCAGCATGGTGAGCTTCTCCCTGGTGCTGCACCTGCAG[G>C]ATGGTGAAGGGTTGACCTGTGTCCATTTCTGCTTCTGGAACAGCTGGGTGATGTTTGGGG-3'
Protein context (NP_000341.2, residues 1477-1497): QKWTQVNPSP[Ser1487Cys]CRCSTREKLT